The following is an entry in ClinVar:

NM_000059.4(BRCA2):c.631+2T>A

Gene: BRCA2 (BRCA2 DNA repair associated; plus strand). Cytogenetic location: 13q13.1.
Variant type: single nucleotide variant.
Coding change: c.631+2T>A on transcript NM_000059.4 (MANE Select); the canonical splice donor site of the intron after coding-DNA position 631, T replaced by A.
Molecular consequence: splice donor variant.
Genome position (GRCh38, 1-based): chr13:32,326,615, T>A. VCF-style: chr13-32326615-T-A. GRCh37 (hg19) VCF-style: chr13-32900752-T-A.
Other names: c.631+2T>A (NM_001406720.1, NM_001406719.1, NM_001406721.1); c.262+2T>A (NM_001406722.1).
Identifiers: ClinVar variation 267653 (VCV000267653.6), dbSNP rs81002899, ClinGen allele CA10602524.

ClinVar aggregate classification (germline): Pathogenic. Review status: criteria provided, multiple submitters, no conflicts (2 of 4 stars). 4 submissions from 4 submitters: Pathogenic (3). 1 of the submissions does not count toward it. Last evaluated 2025-01-31.

Conditions:
Breast-ovarian cancer, familial, susceptibility to, 2 (BROVCA2). Also called: BRCA2 Hereditary Breast and Ovarian Cancer. Identifiers: Orphanet 145, MedGen C2675520, MONDO:0012933, OMIM 612555. Disease mechanism: loss of function.

Submissions (4):

Myriad Genetics, Inc.
Classification: Pathogenic for Breast-ovarian cancer, familial, susceptibility to, 2. Last evaluated: 2025-01-31. Review status: criteria provided, single submitter. Criteria: Myriad Autosomal Dominant, Autosomal Recessive and X-Linked Classification Criteria (2023). Collection method: clinical testing. Allele origin: unknown.
Comment: This variant is considered pathogenic. This variant occurs within a consensus splice junction and is predicted to result in abnormal mRNA splicing of either an out-of-frame exon or an in-frame exon necessary for protein stability and/or normal function. This variant is strongly associated with more severe personal and family histories of cancer, typical for individuals with pathogenic variants in this gene [PMID: 25085752].

GeneDx
Classification: Pathogenic. Last evaluated: 2018-05-29. Review status: criteria provided, single submitter. Criteria: GeneDx Variant Classification (06012015). Collection method: clinical testing. Allele origin: germline. Affected: yes.
Comment: This variant is denoted BRCA2 c.631+2T>A or IVS7+2T>A and consists of a T>A nucleotide substitution at the +2 position of intron 7 of the BRCA2 gene. Using alternate nomenclature, this variant would be defined as BRCA2 859+2T>A. This variant destroys a canonical splice donor site and is predicted to cause abnormal gene splicing, leading to either an abnormal message that is subject to nonsense-mediated mRNA decay or to an abnormal protein product. While BRCA2 c.631+2T>A has not, to our knowledge, been reported in the literature, another variant at the same position, BRCA2 c.631+2T>G, has been observed in individuals with hereditary breast and/or ovarian cancer syndrome, with functional studies revealing impacts on splicing and protein expression (Pyne 2000, Biswas 2011, Wong-Brown 2015). Based on the current evidence, we consider BRCA2 c.631+2T>A to be pathogenic.

Consortium of Investigators of Modifiers of BRCA1/2 (CIMBA), c/o University of Cambridge
Classification: Pathogenic for Breast-ovarian cancer, familial, susceptibility to, 2. Last evaluated: 2015-10-02. Review status: criteria provided, single submitter. Criteria: CIMBA Mutation Classification guidelines May 2016. Collection method: clinical testing. Allele origin: germline.

Counsyl
Classification: Likely pathogenic for Breast-ovarian cancer, familial, susceptibility to, 2. Last evaluated: 2017-07-11. Review status: no assertion criteria provided. Collection method: clinical testing. Allele origin: unknown. Not counted in ClinVar's aggregate classification.

Literature cited by the submitters: PubMed 25085752 (cited by Myriad Genetics, Inc.).